The following is an entry in ClinVar:

NM_001144869.3(LIPT2):c.530C>T (p.Thr177Met)

Gene: LIPT2 (lipoyl(octanoyl) transferase 2; minus strand). Cytogenetic location: 11q13.4.
Variant type: single nucleotide variant.
Coding change: c.530C>T on transcript NM_001144869.3 (MANE Select); coding-DNA position 530, C replaced by T.
Protein change: p.Thr177Met; replaces threonine 177 with methionine.
Molecular consequence: missense variant.
Genome position (GRCh38, 1-based): chr11:74,492,301, G>A on the plus strand (C>T on the coding strand, the complement: LIPT2 is on the minus strand). VCF-style: chr11-74492301-G-A. GRCh37 (hg19) VCF-style: chr11-74203346-G-A.
Other names: c.568C>T, p.Arg190Cys (NM_001329941.2); c.301C>T, p.Arg101Cys (NM_001329942.2); short protein forms R190C, R101C, T177M.
Identifiers: ClinVar variation 3867369 (VCV003867369.2).

ClinVar aggregate classification (germline): Uncertain significance. Review status: criteria provided, multiple submitters, no conflicts (2 of 4 stars). 2 submissions from 2 submitters: Uncertain significance (2). Last evaluated 2025-12-15.

gnomAD v4.1: 2 of 1,551,824 alleles (0.00013%); highest among the groups gnomAD compares: Non-Finnish European, 0.00017%; no homozygotes.

Submissions (2):

Labcorp Genetics (formerly Invitae), Labcorp
Classification: Uncertain significance. Last evaluated: 2025-12-15. Review status: criteria provided, single submitter. Criteria: Invitae Variant Classification Sherloc (09022015). Collection method: clinical testing. Allele origin: germline.
Comment: This sequence change replaces threonine, which is neutral and polar, with methionine, which is neutral and non-polar, at codon 177 of the LIPT2 protein (p.Thr177Met). This variant is not present in population databases (gnomAD no frequency). This variant has not been reported in the literature in individuals affected with LIPT2-related conditions. ClinVar contains an entry for this variant (Variation ID: 3867369). An algorithm developed to predict the effect of missense changes on protein structure and function (PolyPhen-2) suggests that this variant is likely to be tolerated. In summary, the available evidence is currently insufficient to determine the role of this variant in disease. Therefore, it has been classified as a Variant of Uncertain Significance.

Ambry Genetics
Classification: Uncertain significance. Last evaluated: 2025-01-27. Review status: criteria provided, single submitter. Criteria: Ambry Variant Classification Scheme 2023. Collection method: clinical testing. Allele origin: germline.